The following is an entry in ClinVar:

NM_000260.4(MYO7A):c.1765A>C (p.Ile589Leu)

Gene: MYO7A (myosin VIIA; plus strand). Cytogenetic location: 11q13.5.
Variant type: single nucleotide variant.
Coding change: c.1765A>C on transcript NM_000260.4 (MANE Select); coding-DNA position 1765, A replaced by C.
Protein change: p.Ile589Leu; replaces isoleucine 589 with leucine.
Molecular consequence: missense variant.
Genome position (GRCh38, 1-based): chr11:77,166,130, A>C. VCF-style: chr11-77166130-A-C. GRCh37 (hg19) VCF-style: chr11-76877176-A-C.
Other names: c.1765A>C, p.Ile589Leu (NM_001127180.2); c.1732A>C, p.Ile578Leu (NM_001369365.1); c.1765A>C (NM_000260.3); short protein forms I578L, I589L.
Identifiers: ClinVar variation 1365530 (VCV001365530.9), dbSNP rs782182006, ClinGen allele CA381937154.
Genomic context (GRCh38, chr11:77,166,130, plus strand): 5'-AACCGAGACACCCTGCATGGGGACATTATCCAGCTGGTCCACTCCTCCAGGAACAAGTTC[A>C]TCAAGCAGATCTTCCAGGCCGATGTCGCCATGGTAAGCCGGGTGCGGTTTCTGTTGTTCG-3'
Protein context (NP_000251.3, residues 579-599): QLVHSSRNKF[Ile589Leu]KQIFQADVAM

ClinVar aggregate classification (germline): Uncertain significance. Review status: criteria provided, multiple submitters, no conflicts (2 of 4 stars). 2 submissions from 2 submitters: Uncertain significance (2). Last evaluated 2026-02-28.

gnomAD v4.1: 2 of 1,613,910 alleles (0.00012%); highest among the groups gnomAD compares: Admixed American, 0.0033%; no homozygotes.

Submissions (2):

GeneDx
Classification: Uncertain significance. Last evaluated: 2026-02-28. Review status: criteria provided, single submitter. Criteria: GeneDx Variant Classification Process June 2021. Collection method: clinical testing. Allele origin: germline.
Comment: Not observed at significant frequency in large population cohorts (gnomAD); In silico analysis suggests that this missense variant does not alter protein structure/function; Has not been previously published as pathogenic or benign to our knowledge

Labcorp Genetics (formerly Invitae), Labcorp
Classification: Uncertain significance. Last evaluated: 2024-02-24. Review status: criteria provided, single submitter. Criteria: Invitae Variant Classification Sherloc (09022015). Collection method: clinical testing. Allele origin: germline.
Comment: This sequence change replaces isoleucine, which is neutral and non-polar, with leucine, which is neutral and non-polar, at codon 589 of the MYO7A protein (p.Ile589Leu). This variant is present in population databases (no rsID available, gnomAD 0.003%). This variant has not been reported in the literature in individuals affected with MYO7A-related conditions. ClinVar contains an entry for this variant (Variation ID: 1365530). Advanced modeling of protein sequence and biophysical properties (such as structural, functional, and spatial information, amino acid conservation, physicochemical variation, residue mobility, and thermodynamic stability) performed at Invitae indicates that this missense variant is not expected to disrupt MYO7A protein function with a negative predictive value of 95%. In summary, the available evidence is currently insufficient to determine the role of this variant in disease. Therefore, it has been classified as a Variant of Uncertain Significance.